The following is an entry in ClinVar:

NM_001267550.2(TTN):c.28644G>A (p.Thr9548=)

Gene: TTN (titin; minus strand). Cytogenetic location: 2q31.2.
Variant type: single nucleotide variant.
Coding change: c.28644G>A on transcript NM_001267550.2 (MANE Select); coding-DNA position 28644, G replaced by A.
Protein change: p.Thr9548=; no amino-acid change (threonine 9548 retained).
Molecular consequence: synonymous variant. On other transcripts: intron variant (3).
Genome position (GRCh38, 1-based): chr2:178,709,675, C>T on the plus strand (G>A on the coding strand, the complement: TTN is on the minus strand). VCF-style: chr2-178709675-C-T. GRCh37 (hg19) VCF-style: chr2-179574402-C-T.
Other names: c.27693G>A, p.Thr9231= (NM_001256850.1); c.24912G>A, p.Thr8304= (NM_133378.4); c.13282+28407G>A (NM_003319.4); c.13858+28407G>A (NM_133437.4); c.13657+28407G>A (NM_133432.3).
Identifiers: ClinVar variation 413174 (VCV000413174.56), dbSNP rs376744914, ClinGen allele CA1999557.

ClinVar aggregate classification (germline): Conflicting classifications of pathogenicity. Review status: criteria provided, conflicting classifications (1 of 4 stars). 10 submissions from 10 submitters: Uncertain significance (1); Likely benign (7). 2 of the submissions do not count toward it. Last evaluated 2026-01-28.

Conditions:
TTN-related disorder. Also called: TTN-related disorders; TTN-related condition; TTN-related disease.
Autosomal recessive limb-girdle muscular dystrophy type 2J (LGMDR10). Also called: MUSCULAR DYSTROPHY, LIMB-GIRDLE, AUTOSOMAL RECESSIVE 10; Limb-girdle muscular dystrophy, type 2J. Identifiers: Orphanet 140922, MedGen C1837342, MONDO:0012127, OMIM 608807.
Dilated cardiomyopathy 1G (CMD1G). Identifiers: Orphanet 154, MedGen C1858763, MONDO:0011400, OMIM 604145.

Allele frequency attached by ClinVar (database versions not stated): gnomAD exomes 0.00016 and 0.00017; TOPMed 0.00017; gnomAD 0.00021; ExAC 0.00027; ESP Exome Variant Server 0.00032.
gnomAD v4.1: 258 of 1,613,774 alleles (0.016%); highest among the groups gnomAD compares: African/African-American, 0.04%; no homozygotes.

Submissions (10):

Labcorp Genetics (formerly Invitae), Labcorp
Classification: Likely benign for Dilated cardiomyopathy 1G; Autosomal recessive limb-girdle muscular dystrophy type 2J. Last evaluated: 2026-01-28. Review status: criteria provided, single submitter. Criteria: Invitae Variant Classification Sherloc (09022015). Collection method: clinical testing. Allele origin: germline.

PreventionGenetics, part of Exact Sciences
Classification: Likely benign for TTN-related condition. Last evaluated: 2025-09-28. Review status: criteria provided, single submitter. Criteria: ACMG Guidelines, 2015. Collection method: clinical testing. Allele origin: germline.
Comment: This variant is classified as likely benign based on ACMG/AMP sequence variant interpretation guidelines (Richards et al. 2015 PMID: 25741868, with internal and published modifications).

Molecular Diagnostic Laboratory for Inherited Cardiovascular Disease, Montreal Heart Institute
Classification: Likely benign. Last evaluated: 2025-04-09. Review status: criteria provided, single submitter. Criteria: ACMG Guidelines, 2015. Collection method: clinical testing. Allele origin: germline. Affected: no.
Comment: BS1;BP7

Blueprint Genetics
Classification: Likely benign. Last evaluated: 2024-01-09. Review status: criteria provided, single submitter. Criteria: ACMG Guidelines, 2015. Collection method: clinical testing. Allele origin: germline.

CeGaT Center for Human Genetics Tuebingen
Classification: Likely benign. Last evaluated: 2021-03-01. Review status: criteria provided, single submitter. Criteria: CeGaT Center For Human Genetics Tuebingen Variant Classification Criteria Version 2. Collection method: clinical testing. Allele origin: germline. Affected: yes. Observed: 1 variant allele.

Women's Health and Genetics/Laboratory Corporation of America, LabCorp
Classification: Likely benign. Last evaluated: 2019-08-16. Review status: criteria provided, single submitter. Criteria: LabCorp Variant Classification Summary - May 2015. Collection method: clinical testing. Allele origin: germline.

GeneDx
Classification: Likely benign. Last evaluated: 2017-03-06. Review status: criteria provided, single submitter. Criteria: GeneDx Variant Classification (06012015). Collection method: clinical testing. Allele origin: germline. Affected: yes.
Comment: This variant is considered likely benign or benign based on one or more of the following criteria: it is a conservative change, it occurs at a poorly conserved position in the protein, it is predicted to be benign by multiple in silico algorithms, and/or has population frequency not consistent with disease.

Eurofins Ntd Llc (ga)
Classification: Uncertain significance. Last evaluated: 2016-10-19. Review status: criteria provided, single submitter. Criteria: EGL Classification Definitions 2015. Collection method: clinical testing. Allele origin: germline. Observed: 1 variant allele, 1 heterozygote.

Clinical Genetics DNA and cytogenetics Diagnostics Lab, Erasmus MC, Erasmus Medical Center
Classification: Likely benign. Review status: no assertion criteria provided. Collection method: clinical testing. Allele origin: germline. Affected: yes. Study: VKGL Data-share Consensus. Not counted in ClinVar's aggregate classification.

Clinical Genetics, Academic Medical Center
Classification: Benign. Review status: no assertion criteria provided. Collection method: clinical testing. Allele origin: germline. Affected: yes. Study: VKGL Data-share Consensus. Not counted in ClinVar's aggregate classification.